The following is an entry in ClinVar:

NM_000535.7(PMS2):c.1908del (p.Gln637fs)

Gene: PMS2 (PMS1 homolog 2, mismatch repair system component; minus strand). Cytogenetic location: 7p22.1.
Variant type: Deletion.
Coding change: c.1908del on transcript NM_000535.7 (MANE Select); coding-DNA position 1908, one base deleted (A; older notation c.1908delA).
Protein change: p.Gln637fs; shifts the reading frame from glutamine 637.
Molecular consequence: frameshift variant. On other transcripts: non-coding transcript variant (1).
Genome position (GRCh38, 1-based): chr7:5,986,857, T deleted on the plus strand (A on the coding strand, the reverse complement: PMS2 is on the minus strand). VCF-style (leftmost placement, unchanged base first): chr7-5986856-GT-G. GRCh37 (hg19) VCF-style: chr7-6026487-GT-G.
Other names: c.1503del, p.Gln502fs (NM_001322003.2, NM_001322004.2, NM_001322005.2 and 1 more transcripts); c.1752del, p.Gln585fs (NM_001322006.2); c.1590del, p.Gln531fs (NM_001322007.2, NM_001322008.2); c.1347del, p.Gln450fs (NM_001322010.2); c.975del, p.Gln326fs (NM_001322011.2, NM_001322012.2); c.1335del, p.Gln446fs (NM_001322013.2); c.1908del, p.Gln637fs (NM_001322014.2); c.1599del, p.Gln534fs (NM_001322015.2); and 1 more; short protein forms Q446fs, Q531fs, Q534fs, Q326fs, Q585fs, Q637fs, Q450fs, Q502fs.
Identifiers: ClinVar variation 628434 (VCV000628434.6), dbSNP rs1562626121, ClinGen allele CA913188221.

ClinVar aggregate classification (germline): Pathogenic. Review status: criteria provided, multiple submitters, no conflicts (2 of 4 stars). 3 submissions from 3 submitters: Pathogenic (3). Last evaluated 2025-06-26.

Conditions:
Lynch syndrome 4 (LYNCH4). Also called: Colorectal cancer, hereditary nonpolyposis, type 4; Hereditary non-polyposis colorectal cancer, type 4. Identifiers: Orphanet 144, MedGen C1838333, MONDO:0013699, OMIM 614337. Disease mechanism: loss of function.
Hereditary nonpolyposis colon cancer (HNPCC). Also called: Hereditary nonpolyposis colorectal cancer; Familial nonpolyposis colon cancer; Hereditary Nonpolyposis Colorectal Cancer Syndrome. Identifiers: Orphanet 443909, MedGen C1333990, MONDO:0018630. Disease mechanism: loss of function.
Hereditary cancer-predisposing syndrome. Also called: Neoplastic Syndromes, Hereditary; Tumor predisposition; Hereditary neoplastic syndrome; Hereditary Cancer Syndrome. Identifiers: Orphanet 140162, MedGen C0027672, MeSH D009386, MONDO:0015356.

Submissions (3):

Women's Health and Genetics/Laboratory Corporation of America, LabCorp
Classification: Pathogenic for Hereditary nonpolyposis colon cancer. Last evaluated: 2025-06-26. Review status: criteria provided, single submitter. Criteria: LabCorp Variant Classification Summary - May 2015. Collection method: clinical testing. Allele origin: germline.
Comment: Variant summary: PMS2 c.1908delA (p.Gln637SerfsX28) results in a premature termination codon, predicted to cause a truncation of the encoded protein or absence of the protein due to nonsense mediated decay, which are commonly known mechanisms for disease. The variant was absent in 251384 control chromosomes. c.1908delA has been observed in individual(s) suspected of hereditary cancer syndrome (e.g. Bhai_2021). To our knowledge, no experimental evidence demonstrating an impact on protein function has been reported. The following publication has been ascertained in the context of this evaluation (PMID: 34326862). ClinVar contains an entry for this variant (Variation ID: 628434). Based on the evidence outlined above, the variant was classified as pathogenic.

Myriad Genetics, Inc.
Classification: Pathogenic for Lynch syndrome 4. Last evaluated: 2023-09-21. Review status: criteria provided, single submitter. Criteria: Myriad Autosomal Dominant, Autosomal Recessive and X-Linked Classification Criteria (2023). Collection method: clinical testing. Allele origin: unknown.
Comment: This variant is considered pathogenic. This variant creates a frameshift predicted to result in premature protein truncation.

Color Diagnostics, LLC DBA Color Health
Classification: Pathogenic for Hereditary cancer-predisposing syndrome. Last evaluated: 2020-03-31. Review status: criteria provided, single submitter. Criteria: ACMG Guidelines, 2015. Collection method: clinical testing. Allele origin: germline.
Comment: This variant deletes 1 nucleotide in exon 11 of the PMS2 gene, creating a frameshift and premature translation stop signal. This variant is expected to result in an absent or non-functional protein product. To our knowledge, this variant has not been reported in individuals affected with hereditary cancer in the literature. This variant has not been identified in the general population by the Genome Aggregation Database (gnomAD). Loss of PMS2 function is a known mechanism of disease. Based on the available evidence, this variant is classified as Pathogenic.

Literature cited by the submitters: PubMed 34326862 (cited by Women's Health and Genetics/Laboratory Corporation of America, LabCorp).